The following is an entry in ClinVar:

ClinVar aggregate classification (germline): Uncertain significance (1 of 4 stars; one submission).

Allele frequency attached by ClinVar (database versions not stated): gnomAD exomes 0.00001; ExAC 0.00002; gnomAD 0.00003; TOPMed 0.00003.

Submission:

Labcorp Genetics (formerly Invitae), Labcorp
Classification: Uncertain significance. Last evaluated: 2023-12-14. Review status: criteria provided, single submitter. Criteria: Invitae Variant Classification Sherloc (09022015). Collection method: clinical testing. Allele origin: germline.
Comment: This sequence change replaces tyrosine, which is neutral and polar, with phenylalanine, which is neutral and non-polar, at codon 387 of the SLC44A4 protein (p.Tyr387Phe). This variant is present in population databases (rs747025745, gnomAD 0.01%). This variant has not been reported in the literature in individuals affected with SLC44A4-related conditions. Advanced modeling of protein sequence and biophysical properties (such as structural, functional, and spatial information, amino acid conservation, physicochemical variation, residue mobility, and thermodynamic stability) performed at Invitae indicates that this missense variant is not expected to disrupt SLC44A4 protein function with a negative predictive value of 80%. In summary, the available evidence is currently insufficient to determine the role of this variant in disease. Therefore, it has been classified as a Variant of Uncertain Significance.

NM_025257.3(SLC44A4):c.1160A>T (p.Tyr387Phe)

Gene: SLC44A4 (solute carrier family 44 member 4; minus strand). Cytogenetic location: 6p21.33.
Variant type: single nucleotide variant.
Coding change: c.1160A>T on transcript NM_025257.3 (MANE Select); coding-DNA position 1160, A replaced by T.
Protein change: p.Tyr387Phe; replaces tyrosine 387 with phenylalanine.
Molecular consequence: missense variant.
Genome position (GRCh38, 1-based): chr6:31,869,228, T>A on the plus strand (A>T on the coding strand, the complement: SLC44A4 is on the minus strand). VCF-style: chr6-31869228-T-A. GRCh37 (hg19) VCF-style: chr6-31837005-T-A.
Other names: c.1034A>T, p.Tyr345Phe (NM_001178044.2); c.932A>T, p.Tyr311Phe (NM_001178045.2); c.1160A>T, p.Tyr387Phe (NM_032794.1); short protein forms Y345F, Y387F, Y311F.
Identifiers: ClinVar variation 2970001 (VCV002970001.3), dbSNP rs747025745, ClinGen allele CA3725466.